The following is an entry in ClinVar:

NM_000217.3(KCNA1):c.94G>T (p.Asp32Tyr)

Gene: KCNA1 (potassium voltage-gated channel subfamily A member 1; plus strand). Cytogenetic location: 12p13.32.
Variant type: single nucleotide variant.
Coding change: c.94G>T on transcript NM_000217.3 (MANE Select); coding-DNA position 94, G replaced by T.
Protein change: p.Asp32Tyr; replaces aspartic acid 32 with tyrosine.
Molecular consequence: missense variant.
Genome position (GRCh38, 1-based): chr12:4,911,472, G>T. VCF-style: chr12-4911472-G-T. GRCh37 (hg19) VCF-style: chr12-5020638-G-T.
Other names: short protein forms D32Y.
Identifiers: ClinVar variation 1316825 (VCV001316825.23), dbSNP rs1947351128, ClinGen allele CA383453784.
Genomic context (GRCh38, chr12:4,911,472, plus strand): 5'-GCTTCGGCCGCCCCGGGCCACCCCCAGGATGGCAGCTACCCCCGGCAGGCCGACCACGAC[G>T]ACCACGAGTGCTGCGAGCGCGTGGTGATCAACATCTCCGGGCTGCGCTTCGAGACGCAGC-3'
Protein context (NP_000208.2, residues 22-42): GSYPRQADHD[Asp32Tyr]HECCERVVIN

ClinVar aggregate classification (germline): Uncertain significance. Review status: criteria provided, multiple submitters, no conflicts (2 of 4 stars). 4 submissions from 4 submitters: Uncertain significance (4). Last evaluated 2025-06-07.

Conditions:
Episodic ataxia type 1 (EA1). Also called: MYOKYMIA WITH PERIODIC ATAXIA; PAROXYSMAL ATAXIA WITH NEUROMYOTONIA, HEREDITARY; ATAXIA, EPISODIC, WITH MYOKYMIA; Episodic ataxia/myokymia syndrome. Identifiers: Orphanet 37612, Orphanet 972, MedGen C1719788, MONDO:0008047, OMIM 160120.

Allele frequency attached by ClinVar (database versions not stated): TOPMed below 0.00001.

Submissions (4):

Labcorp Genetics (formerly Invitae), Labcorp
Classification: Uncertain significance for Episodic ataxia type 1. Last evaluated: 2025-06-07. Review status: criteria provided, single submitter. Criteria: Invitae Variant Classification Sherloc (09022015). Collection method: clinical testing. Allele origin: germline.
Comment: This sequence change replaces aspartic acid, which is acidic and polar, with tyrosine, which is neutral and polar, at codon 32 of the KCNA1 protein (p.Asp32Tyr). This variant is not present in population databases (gnomAD no frequency). This variant has not been reported in the literature in individuals affected with KCNA1-related conditions. ClinVar contains an entry for this variant (Variation ID: 1316825). Invitae Evidence Modeling of protein sequence and biophysical properties (such as structural, functional, and spatial information, amino acid conservation, physicochemical variation, residue mobility, and thermodynamic stability) indicates that this missense variant is not expected to disrupt KCNA1 protein function with a negative predictive value of 80%. In summary, the available evidence is currently insufficient to determine the role of this variant in disease. Therefore, it has been classified as a Variant of Uncertain Significance.

Women's Health and Genetics/Laboratory Corporation of America, LabCorp
Classification: Uncertain significance. Last evaluated: 2024-07-29. Review status: criteria provided, single submitter. Criteria: LabCorp Variant Classification Summary - May 2015. Collection method: clinical testing. Allele origin: germline.
Comment: Variant summary: KCNA1 c.94G>T (p.Asp32Tyr) results in a non-conservative amino acid change in the encoded protein sequence. Three of five in-silico tools predict a damaging effect of the variant on protein function. The frequency data for this variant in gnomAD is considered unreliable, as metrics indicate poor data quality at this position. To our knowledge, no occurrence of c.94G>T in individuals affected with Episodic Ataxia Type 1 and no experimental evidence demonstrating its impact on protein function have been reported. ClinVar contains an entry for this variant (Variation ID: 1316825). Based on the evidence outlined above, the variant was classified as uncertain significance.

CeGaT Center for Human Genetics Tuebingen
Classification: Uncertain significance. Last evaluated: 2024-07-01. Review status: criteria provided, single submitter. Criteria: CeGaT Center For Human Genetics Tuebingen Variant Classification Criteria Version 2. Collection method: clinical testing. Allele origin: germline. Affected: yes. Observed: 1 variant allele.
Comment: KCNA1: PM2, PP2

GeneDx
Classification: Uncertain significance. Last evaluated: 2021-11-19. Review status: criteria provided, single submitter. Criteria: GeneDx Variant Classification Process June 2021. Collection method: clinical testing. Allele origin: germline. Affected: yes.
Comment: Not observed in large population cohorts (gnomAD); In silico analysis, which includes protein predictors and evolutionary conservation, supports that this variant does not alter protein structure/function; Has not been previously published as pathogenic or benign to our knowledge